The following is an entry in ClinVar:

NM_005257.6(GATA6):c.1301T>C (p.Val434Ala)

Gene: GATA6 (GATA binding protein 6; plus strand). Cytogenetic location: 18q11.2.
Variant type: single nucleotide variant.
Coding change: c.1301T>C on transcript NM_005257.6 (MANE Select); coding-DNA position 1301, T replaced by C.
Protein change: p.Val434Ala; replaces valine 434 with alanine.
Molecular consequence: missense variant.
Genome position (GRCh38, 1-based): chr18:22,177,120, T>C. VCF-style: chr18-22177120-T-C. GRCh37 (hg19) VCF-style: chr18-19757081-T-C.
Other names: short protein forms V434A.
Identifiers: ClinVar variation 1040747 (VCV001040747.8), dbSNP rs2033131897, ClinGen allele CA401802256.

ClinVar aggregate classification (germline): Uncertain significance (1 of 4 stars; one submission).

Conditions:
Atrioventricular septal defect 5 (AVSD5). Identifiers: MedGen C3280939, MONDO:0013769, OMIM 614474.

Submission:

Labcorp Genetics (formerly Invitae), Labcorp
Classification: Uncertain significance for Atrioventricular septal defect 5. Last evaluated: 2023-06-15. Review status: criteria provided, single submitter. Criteria: Invitae Variant Classification Sherloc (09022015). Collection method: clinical testing. Allele origin: germline.
Comment: This sequence change replaces valine, which is neutral and non-polar, with alanine, which is neutral and non-polar, at codon 434 of the GATA6 protein (p.Val434Ala). This variant is not present in population databases (gnomAD no frequency). This variant has not been reported in the literature in individuals affected with GATA6-related conditions. Algorithms developed to predict the effect of missense changes on protein structure and function output the following: SIFT: "Not Available"; PolyPhen-2: "Benign"; Align-GVGD: "Not Available". The alanine amino acid residue is found in multiple mammalian species, which suggests that this missense change does not adversely affect protein function. In summary, the available evidence is currently insufficient to determine the role of this variant in disease. Therefore, it has been classified as a Variant of Uncertain Significance. ClinVar contains an entry for this variant (Variation ID: 1040747).